The following is an entry in ClinVar:

NM_001375765.1(GIGYF1):c.2761G>C (p.Val921Leu)

Gene: GIGYF1 (GRB10 interacting GYF protein 1; minus strand). Cytogenetic location: 7q22.1.
Variant type: single nucleotide variant.
Coding change: c.2761G>C on transcript NM_001375765.1 (MANE Select); coding-DNA position 2761, G replaced by C.
Protein change: p.Val921Leu; replaces valine 921 with leucine.
Molecular consequence: missense variant. On other transcripts: non-coding transcript variant (1).
Genome position (GRCh38, 1-based): chr7:100,682,322, C>G on the plus strand (G>C on the coding strand, the complement: GIGYF1 is on the minus strand). VCF-style: chr7-100682322-C-G. GRCh37 (hg19) VCF-style: chr7-100279945-C-G.
Other names: NM_022574.4:c.2761G>C; c.2761G>C, p.Val921Leu (NM_001375759.1, NM_001375760.1, NM_001375761.1 and 5 more transcripts); c.2758G>C, p.Val920Leu (NM_001375768.1); short protein forms V920L, V921L.
Identifiers: ClinVar variation 5000177 (VCV005000177.1).
Genomic context (GRCh38, chr7:100,682,322, plus strand): 5'-GCCCCCTGGCCGGGTCTGGAGACCCAGGTCCCGCCCACCTCCTGGGAGCCGCTCGCCCAC[C>G]GTCCAGGCTGCCCGTGGCGCTCAGCGTGTGCAGCATCTGCTCGCACCACTGGGTGAAGCC-3'
Protein context (NP_001362694.1, residues 911-931): HTLSATGSLD[Val921Leu]PMAVAILKEV

ClinVar aggregate classification (germline): Uncertain significance (1 of 4 stars; one submission).

Conditions:
GIGYF1-related disorder. Also called: GIGYF1-related condition.

Submission:

PreventionGenetics, part of Exact Sciences
Classification: Uncertain significance for GIGYF1-related condition. Last evaluated: 2025-06-06. Review status: criteria provided, single submitter. Criteria: ACMG Guidelines, 2015. Collection method: clinical testing. Allele origin: germline.
Comment: The GIGYF1 c.2761G>C variant is predicted to result in the amino acid substitution p.Val921Leu. To our knowledge, this variant has not been reported in the literature or in a large population database (gnomAD), indicating this variant is rare. At this time, the clinical significance of this variant is uncertain due to the absence of conclusive functional and genetic evidence.